The following is an entry in ClinVar:

NM_018075.5(ANO10):c.905dup (p.Pro303fs)

Gene: ANO10 (anoctamin 10; minus strand). Cytogenetic location: 3p22.1.
Variant type: Duplication.
Coding change: c.905dup on transcript NM_018075.5 (MANE Select); coding-DNA position 905, one base duplicated (A; older notation c.905dupA).
Protein change: p.Pro303fs; shifts the reading frame from proline 303.
Molecular consequence: frameshift variant. On other transcripts: intron variant (1).
Genome position (GRCh38, 1-based): chr3:43,576,949, T duplicated on the plus strand (A on the coding strand, the reverse complement: ANO10 is on the minus strand). VCF-style (leftmost placement, unchanged base first): chr3-43576948-C-CT. GRCh37 (hg19) VCF-style: chr3-43618440-C-CT.
Other names: c.905dup, p.Pro303fs (NM_001204831.3, NM_001346463.2, NM_001346464.2 and 3 more transcripts); c.707dup, p.Pro237fs (NM_001204832.3, NM_001346466.2, NM_001346469.2); c.572dup, p.Pro192fs (NM_001204833.3); c.593-2085dup (NM_001204834.3); short protein forms P192fs, P237fs, P303fs.
Identifiers: ClinVar variation 5014595 (VCV005014595.1).

ClinVar aggregate classification (germline): Pathogenic (1 of 4 stars; one submission).

Conditions:
Autosomal recessive spinocerebellar ataxia 10. Identifiers: Orphanet 284289, MedGen C3150998, MONDO:0013392, OMIM 613728.

Submission:

Myriad Genetics, Inc.
Classification: Pathogenic for Autosomal recessive spinocerebellar ataxia 10. Last evaluated: 2025-06-14. Review status: criteria provided, single submitter. Criteria: Myriad Autosomal Dominant, Autosomal Recessive and X-Linked Classification Criteria (2023). Collection method: clinical testing. Allele origin: unknown.
Comment: NM_018075.3(ANO10):c.905dupA(P303Afs*46) is expected to be pathogenic in the context of spinocerebellar ataxia, ANO10-related. This variant is predicted to lead to an abnormal or absent protein product due to the creation of a premature termination codon in ANO10, a gene where loss-of-function variants are known to be pathogenic. Please note: this variant was assessed in the context of healthy population screening.